The following is an entry in ClinVar:

NC_012920.1(MT-ATP6):m.8863G>A

Gene: MT-ATP6 (mitochondrially encoded ATP synthase 6; plus strand).
Variant type: single nucleotide variant.
Genome position: chrM-8863-G-A.
Identifiers: ClinVar variation 693005 (VCV000693005.1), dbSNP rs1603221852, ClinGen allele CA414798563.

ClinVar aggregate classification (germline): Uncertain significance (1 of 4 stars; one submission).

Conditions:
Leigh syndrome (NULS). Also called: Leigh's necrotizing encephalopathy; Leigh's disease; Leigh Syndrome (mtDNA deletion); Leigh Disease; Subacute necrotizing encephalopathy; Necrotizing encephalopathy infantile subacute of Leigh. Identifiers: Orphanet 506, MedGen C2931891, MONDO:0009723, OMIM 256000.

Submission:

Wong Mito Lab, Molecular and Human Genetics, Baylor College of Medicine
Classification: Uncertain significance for Leigh syndrome. Last evaluated: 2019-10-17. Review status: criteria provided, single submitter. Criteria: Modified ACMG Guidelines (Unpublished). Collection method: clinical testing. Allele origin: germline.
Comment: The NC_012920.1:m.8863G>A (YP_003024031.1:p.Val113Met) variant in MTATP6 gene is interpretated to be a Uncertain Significance variant based on the modified ACMG guidelines (unpublished). This variant meets the following evidence codes: PP4